The following is an entry in ClinVar:

NM_024422.6(DSC2):c.1852G>A (p.Glu618Lys)

Gene: DSC2 (desmocollin 2; minus strand). Cytogenetic location: 18q12.1.
Variant type: single nucleotide variant.
Coding change: c.1852G>A on transcript NM_024422.6 (MANE Select); coding-DNA position 1852, G replaced by A.
Protein change: p.Glu618Lys; replaces glutamic acid 618 with lysine.
Molecular consequence: missense variant.
Genome position (GRCh38, 1-based): chr18:31,074,719, C>T on the plus strand (G>A on the coding strand, the complement: DSC2 is on the minus strand). VCF-style: chr18-31074719-C-T. GRCh37 (hg19) VCF-style: chr18-28654685-C-T.
Other names: c.1423G>A, p.Glu475Lys (NM_001406506.1, NM_001406507.1); c.1852G>A, p.Glu618Lys (NM_004949.5); short protein forms E618K, E475K.
Identifiers: ClinVar variation 2705287 (VCV002705287.3), dbSNP rs2510942669, ClinGen allele CA402113836.
Genomic context (GRCh38, chr18:31,074,719, plus strand): 5'-AAAGCAATTTTCAAAAATATATACCATTAATTGCTTTCAGTCTCCACATTCTCTGTACTT[C>T]TGAAGTAGAACTCTCCAGACTAAAGTCAAAGGGTGGGCCATGGATAGGCTCATCAGGATC-3'
Protein context (NP_077740.1, residues 608-628): FDFSLESSTS[Glu618Lys]VQRMWRLKAI

ClinVar aggregate classification (germline): Uncertain significance (1 of 4 stars; one submission).

Conditions:
Arrhythmogenic right ventricular dysplasia 11. Also called: ARRHYTHMOGENIC RIGHT VENTRICULAR DYSPLASIA, FAMILIAL, 11; Arrhythmogenic Right Ventricular Dysplasia/Cardiomyopathy11; Arrhythmogenic right ventricular dysplasia 11 with mild palmoplantar keratoderma and woolly hair. Identifiers: MedGen C1864850, MONDO:0012506, OMIM 610476.

Submission:

Labcorp Genetics (formerly Invitae), Labcorp
Classification: Uncertain significance for Arrhythmogenic right ventricular dysplasia 11. Last evaluated: 2024-01-07. Review status: criteria provided, single submitter. Criteria: Invitae Variant Classification Sherloc (09022015). Collection method: clinical testing. Allele origin: germline.
Comment: This sequence change replaces glutamic acid, which is acidic and polar, with lysine, which is basic and polar, at codon 618 of the DSC2 protein (p.Glu618Lys). This variant is not present in population databases (gnomAD no frequency). This variant has not been reported in the literature in individuals affected with DSC2-related conditions. Advanced modeling of protein sequence and biophysical properties (such as structural, functional, and spatial information, amino acid conservation, physicochemical variation, residue mobility, and thermodynamic stability) performed at Invitae indicates that this missense variant is not expected to disrupt DSC2 protein function with a negative predictive value of 80%. In summary, the available evidence is currently insufficient to determine the role of this variant in disease. Therefore, it has been classified as a Variant of Uncertain Significance.